The following is an entry in ClinVar:

ClinVar aggregate classification (germline): Likely benign (1 of 4 stars; one submission).

Allele frequency attached by ClinVar (database versions not stated): gnomAD exomes 0.00001; ExAC 0.00002.
gnomAD v4.1: 21 of 1,613,702 alleles (0.0013%); highest among the groups gnomAD compares: Non-Finnish European, 0.0018%; no homozygotes.

Submission:

CeGaT Center for Human Genetics Tuebingen
Classification: Likely benign. Last evaluated: 2023-10-01. Review status: criteria provided, single submitter. Criteria: CeGaT Center For Human Genetics Tuebingen Variant Classification Criteria Version 2. Collection method: clinical testing. Allele origin: germline. Affected: yes. Observed: 1 variant allele.
Comment: AHNAK: BP4, BP7

NM_001620.3(AHNAK):c.8619C>T (p.Gly2873=)

Gene: AHNAK (AHNAK nucleoprotein; minus strand). Cytogenetic location: 11q12.3.
Variant type: single nucleotide variant.
Coding change: c.8619C>T on transcript NM_001620.3 (MANE Select); coding-DNA position 8619, C replaced by T.
Protein change: p.Gly2873=; no amino-acid change (glycine 2873 retained).
Molecular consequence: synonymous variant. On other transcripts: intron variant (1).
Genome position (GRCh38, 1-based): chr11:62,525,798, G>A on the plus strand (C>T on the coding strand, the complement: AHNAK is on the minus strand). VCF-style: chr11-62525798-G-A. GRCh37 (hg19) VCF-style: chr11-62293270-G-A.
Other names: c.8619C>T, p.Gly2873= (NM_001346445.2, NM_001346446.2); c.342+9205C>T (NM_024060.4).
Identifiers: ClinVar variation 2641872 (VCV002641872.24), dbSNP rs750444441, ClinGen allele CA6045315.